The following is an entry in ClinVar:

NM_001134407.3(GRIN2A):c.3268G>A (p.Val1090Met)

Gene: GRIN2A (glutamate ionotropic receptor NMDA type subunit 2A; minus strand). Cytogenetic location: 16p13.2.
Variant type: single nucleotide variant.
Coding change: c.3268G>A on transcript NM_001134407.3 (MANE Select); coding-DNA position 3268, G replaced by A.
Protein change: p.Val1090Met; replaces valine 1090 with methionine.
Molecular consequence: missense variant.
Genome position (GRCh38, 1-based): chr16:9,764,276, C>T on the plus strand (G>A on the coding strand, the complement: GRIN2A is on the minus strand). VCF-style: chr16-9764276-C-T. GRCh37 (hg19) VCF-style: chr16-9858133-C-T.
Other names: c.3268G>A, p.Val1090Met (NM_000833.5, NM_001134408.2); short protein forms V1090M.
Identifiers: ClinVar variation 854055 (VCV000854055.12), dbSNP rs1320797353, ClinGen allele CA394708239.

ClinVar aggregate classification (germline): Uncertain significance. Review status: criteria provided, multiple submitters, no conflicts (2 of 4 stars). 2 submissions from 2 submitters: Uncertain significance (2). Last evaluated 2024-08-13.

Conditions:
Landau-Kleffner syndrome (FESD). Also called: APHASIA, ACQUIRED, WITH EPILEPSY; EPILEPSY, FOCAL, WITH SPEECH DISORDER AND WITH OR WITHOUT MENTAL RETARDATION. Identifiers: Orphanet 1945, Orphanet 725, Orphanet 98818, MedGen C0282512, MONDO:0009509, OMIM 245570.

Allele frequency attached by ClinVar (database versions not stated): gnomAD exomes below 0.00001; TOPMed below 0.00001.
gnomAD v4.1: 5 of 1,614,040 alleles (0.00031%); highest among the groups gnomAD compares: East Asian, 0.0022%; no homozygotes.

Submissions (2):

Labcorp Genetics (formerly Invitae), Labcorp
Classification: Uncertain significance for Landau-Kleffner syndrome. Last evaluated: 2024-08-13. Review status: criteria provided, single submitter. Criteria: Invitae Variant Classification Sherloc (09022015). Collection method: clinical testing. Allele origin: germline.
Comment: This sequence change replaces valine, which is neutral and non-polar, with methionine, which is neutral and non-polar, at codon 1090 of the GRIN2A protein (p.Val1090Met). This variant is present in population databases (no rsID available, gnomAD 0.006%). This variant has not been reported in the literature in individuals affected with GRIN2A-related conditions. ClinVar contains an entry for this variant (Variation ID: 854055). An algorithm developed to predict the effect of missense changes on protein structure and function outputs the following: PolyPhen-2: "Benign". The methionine amino acid residue is found in multiple mammalian species, which suggests that this missense change does not adversely affect protein function. In summary, the available evidence is currently insufficient to determine the role of this variant in disease. Therefore, it has been classified as a Variant of Uncertain Significance.

GeneDx
Classification: Uncertain significance. Last evaluated: 2022-04-08. Review status: criteria provided, single submitter. Criteria: GeneDx Variant Classification Process June 2021. Collection method: clinical testing. Allele origin: germline. Affected: yes.
Comment: Not observed at significant frequency in large population cohorts (gnomAD); In silico analysis supports that this missense variant does not alter protein structure/function; Has not been previously published as pathogenic or benign to our knowledge; This variant is associated with the following publications: (PMID: 27839871)